The following is an entry in ClinVar:

NM_201550.4(LRRC10):c.224A>G (p.Gln75Arg)

Gene: LRRC10 (leucine rich repeat containing 10; minus strand). Cytogenetic location: 12q15.
Variant type: single nucleotide variant.
Coding change: c.224A>G on transcript NM_201550.4 (MANE Select); coding-DNA position 224, A replaced by G.
Protein change: p.Gln75Arg; replaces glutamine 75 with arginine.
Molecular consequence: missense variant.
Genome position (GRCh38, 1-based): chr12:69,610,615, T>C on the plus strand (A>G on the coding strand, the complement: LRRC10 is on the minus strand). VCF-style: chr12-69610615-T-C. GRCh37 (hg19) VCF-style: chr12-70004395-T-C.
Other names: short protein forms Q75R.
Identifiers: ClinVar variation 2339485 (VCV002339485.4), dbSNP rs1474539321, ClinGen allele CA385737413.

ClinVar aggregate classification (germline): Uncertain significance. Review status: criteria provided, multiple submitters, no conflicts (2 of 4 stars). 2 submissions from 2 submitters: Uncertain significance (2). Last evaluated 2024-12-17.

Allele frequency attached by ClinVar (database versions not stated): gnomAD exomes below 0.00001.

Submissions (2):

Labcorp Genetics (formerly Invitae), Labcorp
Classification: Uncertain significance. Last evaluated: 2024-12-17. Review status: criteria provided, single submitter. Criteria: Invitae Variant Classification Sherloc (09022015). Collection method: clinical testing. Allele origin: germline.
Comment: This sequence change replaces glutamine, which is neutral and polar, with arginine, which is basic and polar, at codon 75 of the LRRC10 protein (p.Gln75Arg). This variant is present in population databases (no rsID available, gnomAD 0.003%). This variant has not been reported in the literature in individuals affected with LRRC10-related conditions. ClinVar contains an entry for this variant (Variation ID: 2339485). An algorithm developed to predict the effect of missense changes on protein structure and function (PolyPhen-2) suggests that this variant is likely to be tolerated. In summary, the available evidence is currently insufficient to determine the role of this variant in disease. Therefore, it has been classified as a Variant of Uncertain Significance.

Ambry Genetics
Classification: Uncertain significance. Last evaluated: 2022-12-27. Review status: criteria provided, single submitter. Criteria: Ambry Variant Classification Scheme 2023. Collection method: clinical testing. Allele origin: germline.